The following is an entry in ClinVar:

ClinVar aggregate classification (germline): Uncertain significance (1 of 4 stars; one submission).

Submission:

Labcorp Genetics (formerly Invitae), Labcorp
Classification: Uncertain significance. Last evaluated: 2025-05-19. Review status: criteria provided, single submitter. Criteria: Invitae Variant Classification Sherloc (09022015). Collection method: clinical testing. Allele origin: germline.
Comment: This sequence change replaces threonine, which is neutral and polar, with arginine, which is basic and polar, at codon 1498 of the LRP2 protein (p.Thr1498Arg). This variant is not present in population databases (gnomAD no frequency). This variant has not been reported in the literature in individuals affected with LRP2-related conditions. Invitae Evidence Modeling of protein sequence and biophysical properties (such as structural, functional, and spatial information, amino acid conservation, physicochemical variation, residue mobility, and thermodynamic stability) indicates that this missense variant is expected to disrupt LRP2 protein function with a positive predictive value of 80%. In summary, the available evidence is currently insufficient to determine the role of this variant in disease. Therefore, it has been classified as a Variant of Uncertain Significance.

NM_004525.3(LRP2):c.4493C>G (p.Thr1498Arg)

Gene: LRP2 (LDL receptor related protein 2; minus strand). Cytogenetic location: 2q31.1.
Variant type: single nucleotide variant.
Coding change: c.4493C>G on transcript NM_004525.3 (MANE Select); coding-DNA position 4493, C replaced by G.
Protein change: p.Thr1498Arg; replaces threonine 1498 with arginine.
Molecular consequence: missense variant.
Genome position (GRCh38, 1-based): chr2:169,238,104, G>C on the plus strand (C>G on the coding strand, the complement: LRP2 is on the minus strand). VCF-style: chr2-169238104-G-C. GRCh37 (hg19) VCF-style: chr2-170094614-G-C.
Other names: short protein forms T1498R.
Identifiers: ClinVar variation 4744954 (VCV004744954.1).